The following is an entry in ClinVar:

ClinVar aggregate classification (germline): Likely pathogenic (0 of 4 stars; one submission).

Conditions:
Sudden infant death-dysgenesis of the testes syndrome. Identifiers: Orphanet 168593, MedGen C1837371, MONDO:0012124, OMIM 608800.

Submission:

Cytogenetics & Genomics Research Unit, University of Calcutta
Classification: Likely pathogenic for Sudden infant death-dysgenesis of the testes syndrome. Last evaluated: 2020-07-15. Review status: no assertion criteria provided. Collection method: case-control. Allele origin: germline. Inheritance: Y-linked inheritance. Affected: yes.
Comment: The novel transversion G>C in the Human TSPY1 gene is being reported for the first time in Bengali speaking population from India. This variant was observed in males that are clinically infertile. Therefore, the cause of male infertility may be implicated by this variant.

NC_000023.11:g.946718C>G

Variant type: single nucleotide variant.
Genome position: GRCh38 VCF-style: chrX-946718-C-G. GRCh37 (hg19) VCF-style: chrX-907453-C-G.
Other names: CT78.
Identifiers: ClinVar variation 981242 (VCV000981242.4), dbSNP rs2088000353, ClinGen allele CA1139771710.